The following is an entry in ClinVar:

ClinVar aggregate classification (germline): Likely benign (1 of 4 stars; one submission).

Allele frequency attached by ClinVar (database versions not stated): 1000 Genomes Project 30x 0.00031; 1000 Genomes Project 0.00040; TOPMed 0.00144; gnomAD 0.00182 and 0.00189.
gnomAD v4.1: 273 of 152,276 alleles (0.18%); highest among the groups gnomAD compares: Non-Finnish European, 0.34%; no homozygotes.

Submission:

CeGaT Center for Human Genetics Tuebingen
Classification: Likely benign. Last evaluated: 2023-12-01. Review status: criteria provided, single submitter. Criteria: CeGaT Center For Human Genetics Tuebingen Variant Classification Criteria Version 2. Collection method: clinical testing. Allele origin: germline. Affected: yes. Observed: 22 variant alleles.
Comment: RET: BS1

NM_020975.6(RET):c.2136+437T>C

Gene: RET (ret proto-oncogene; plus strand). Cytogenetic location: 10q11.21.
Variant type: single nucleotide variant.
Coding change: c.2136+437T>C on transcript NM_020975.6 (MANE Select); 437 bases into the intron after coding-DNA position 2136, T replaced by C.
Molecular consequence: intron variant.
Genome position (GRCh38, 1-based): chr10:43,115,173, T>C. VCF-style: chr10-43115173-T-C. GRCh37 (hg19) VCF-style: chr10-43610621-T-C.
Other names: c.2136+437T>C (NM_020630.7, NM_001406743.1, NM_001406744.1 and 2 more transcripts); c.2001+437T>C (NM_001406765.1, NM_001406763.1); c.1740+437T>C (NM_001406772.1, NM_001406769.1); c.1698+437T>C (NM_001406773.1, NM_001406771.1); c.1239+437T>C (NM_001406782.1, NM_001406780.1, NM_001406779.1 and 1 more transcripts); c.1104+437T>C (NM_001406787.1); c.1119+437T>C (NM_001406785.1); c.2007+437T>C (NM_001406764.1, NM_001406762.1, NM_001406761.1); and 10 more.
Identifiers: ClinVar variation 1675415 (VCV001675415.35), dbSNP rs181457644, ClinGen allele CA206263144.
Genomic context (GRCh38, chr10:43,115,173, plus strand): 5'-CCAGGCAGGCCTCTGCCCTCTCCTGGTGGTGGCCTGCCCCTTCAGTGTTCCTACTAGCAC[T>C]GTCCAGGGCGCTGGAAGCCAAGCCCAGTTCTGGAAGTAACAGAGGCTCAGAGCCAAGGGT-3'